The following is an entry in ClinVar:

NM_078629.4(MSL3):c.1034T>C (p.Leu345Ser)

Gene: MSL3 (MSL complex subunit 3; plus strand). Cytogenetic location: Xp22.2.
Variant type: single nucleotide variant.
Coding change: c.1034T>C on transcript NM_078629.4 (MANE Select); coding-DNA position 1034, T replaced by C.
Protein change: p.Leu345Ser; replaces leucine 345 with serine.
Molecular consequence: missense variant.
Genome position (GRCh38, 1-based): chrX:11,765,592, T>C. VCF-style: chrX-11765592-T-C. GRCh37 (hg19) VCF-style: chrX-11783711-T-C.
Other names: c.998T>C, p.Leu333Ser (NM_001193270.2); c.587T>C, p.Leu196Ser (NM_001282174.1); c.536T>C, p.Leu179Ser (NM_006800.4); c.1034T>C, p.Leu345Ser (NM_078628.2); short protein forms L179S, L196S, L333S, L345S.
Identifiers: ClinVar variation 3252188 (VCV003252188.1), dbSNP rs927911493.

ClinVar aggregate classification (germline): Uncertain significance (1 of 4 stars; one submission).

Allele frequency attached by ClinVar (database versions not stated): gnomAD exomes below 0.00001.
gnomAD v4.1: 1 of 1,210,379 alleles (0.000083%); highest among the groups gnomAD compares: Non-Finnish European, 0.00011%; no homozygotes.

Submission:

GeneDx
Classification: Uncertain significance. Last evaluated: 2023-10-01. Review status: criteria provided, single submitter. Criteria: GeneDx Variant Classification Process June 2021. Collection method: clinical testing. Allele origin: germline. Affected: yes.
Comment: Not observed at significant frequency in large population cohorts (gnomAD); In silico analysis supports that this missense variant does not alter protein structure/function; Has not been previously published as pathogenic or benign to our knowledge